The following is an entry in ClinVar:

NM_006947.4(SRP72):c.808A>G (p.Ile270Val)

Gene: SRP72 (signal recognition particle 72; plus strand). Cytogenetic location: 4q12.
Variant type: single nucleotide variant.
Coding change: c.808A>G on transcript NM_006947.4 (MANE Select); coding-DNA position 808, A replaced by G.
Protein change: p.Ile270Val; replaces isoleucine 270 with valine.
Molecular consequence: missense variant. On other transcripts: non-coding transcript variant (1), intron variant (1).
Genome position (GRCh38, 1-based): chr4:56,478,632, A>G. VCF-style: chr4-56478632-A-G. GRCh37 (hg19) VCF-style: chr4-57344798-A-G.
Other names: c.642+1930A>G (NM_001267722.2); short protein forms I270V.
Identifiers: ClinVar variation 3648355 (VCV003648355.2).

ClinVar aggregate classification (germline): Uncertain significance (1 of 4 stars; one submission).

gnomAD v4.1: 3 of 1,613,978 alleles (0.00019%); highest among the groups gnomAD compares: Non-Finnish European, 0.00025%; no homozygotes.

Submission:

Labcorp Genetics (formerly Invitae), Labcorp
Classification: Uncertain significance. Last evaluated: 2024-04-15. Review status: criteria provided, single submitter. Criteria: Invitae Variant Classification Sherloc (09022015). Collection method: clinical testing. Allele origin: germline.
Comment: This sequence change replaces isoleucine, which is neutral and non-polar, with valine, which is neutral and non-polar, at codon 270 of the SRP72 protein (p.Ile270Val). This variant is present in population databases (rs780642139, gnomAD 0.0009%). This variant has not been reported in the literature in individuals affected with SRP72-related conditions. Advanced modeling of protein sequence and biophysical properties (such as structural, functional, and spatial information, amino acid conservation, physicochemical variation, residue mobility, and thermodynamic stability) performed at Invitae indicates that this missense variant is not expected to disrupt SRP72 protein function with a negative predictive value of 80%. In summary, the available evidence is currently insufficient to determine the role of this variant in disease. Therefore, it has been classified as a Variant of Uncertain Significance.